The following is an entry in ClinVar:

NM_000222.3(KIT):c.2633A>G (p.Lys878Arg)

Gene: KIT (KIT proto-oncogene, receptor tyrosine kinase; plus strand). Cytogenetic location: 4q12.
Variant type: single nucleotide variant.
Coding change: c.2633A>G on transcript NM_000222.3 (MANE Select); coding-DNA position 2633, A replaced by G.
Protein change: p.Lys878Arg; replaces lysine 878 with arginine.
Molecular consequence: missense variant.
Genome position (GRCh38, 1-based): chr4:54,736,757, A>G. VCF-style: chr4-54736757-A-G. GRCh37 (hg19) VCF-style: chr4-55602923-A-G.
Other names: c.2621A>G, p.Lys874Arg (NM_001093772.2, NM_001385292.1); c.2636A>G, p.Lys879Arg (NM_001385284.1); c.2630A>G, p.Lys877Arg (NM_001385285.1); c.2618A>G, p.Lys873Arg (NM_001385286.1); c.2624A>G, p.Lys875Arg (NM_001385288.1); c.2633A>G, p.Lys878Arg (NM_001385290.1); short protein forms K878R, K874R, K873R, K875R, K877R, K879R.
Identifiers: ClinVar variation 458926 (VCV000458926.17), dbSNP rs1379854779, ClinGen allele CA356913801.

ClinVar aggregate classification (germline): Uncertain significance. Review status: criteria provided, multiple submitters, no conflicts (2 of 4 stars). 2 submissions from 2 submitters: Uncertain significance (2). Last evaluated 2025-12-23.

Conditions:
Hereditary cancer-predisposing syndrome. Also called: Tumor predisposition; Hereditary neoplastic syndrome; Neoplastic Syndromes, Hereditary; Hereditary Cancer Syndrome. Identifiers: Orphanet 140162, MedGen C0027672, MeSH D009386, MONDO:0015356.
Gastrointestinal stromal tumor. Also called: Gastrointestinal stroma tumor; Gastrointestinal stromal tumor, somatic. Identifiers: Orphanet 44890, MedGen C0238198, MeSH D046152, MONDO:0011719, OMIM 606764, HP:0100723.

Allele frequency attached by ClinVar (database versions not stated): gnomAD exomes below 0.00001; gnomAD 0.00002; TOPMed 0.00004.
gnomAD v4.1: 5 of 1,614,056 alleles (0.00031%); highest among the groups gnomAD compares: African/African-American, 0.0053%; no homozygotes.

Submissions (2):

Labcorp Genetics (formerly Invitae), Labcorp
Classification: Uncertain significance for Gastrointestinal stromal tumor. Last evaluated: 2025-12-23. Review status: criteria provided, single submitter. Criteria: Invitae Variant Classification Sherloc (09022015). Collection method: clinical testing. Allele origin: germline.
Comment: This sequence change replaces lysine, which is basic and polar, with arginine, which is basic and polar, at codon 878 of the KIT protein (p.Lys878Arg). This variant is not present in population databases (gnomAD no frequency). This variant has not been reported in the literature in individuals affected with KIT-related conditions. ClinVar contains an entry for this variant (Variation ID: 458926). An algorithm developed to predict the effect of missense changes on protein structure and function (PolyPhen-2) suggests that this variant is likely to be disruptive. In summary, the available evidence is currently insufficient to determine the role of this variant in disease. Therefore, it has been classified as a Variant of Uncertain Significance.

Ambry Genetics
Classification: Uncertain significance for Hereditary cancer-predisposing syndrome. Last evaluated: 2024-11-22. Review status: criteria provided, single submitter. Criteria: Ambry Variant Classification Scheme 2023. Collection method: clinical testing. Allele origin: germline.
Comment: The p.K878R variant (also known as c.2633A>G), located in coding exon 19 of the KIT gene, results from an A to G substitution at nucleotide position 2633. The lysine at codon 878 is replaced by arginine, an amino acid with highly similar properties. This amino acid position is highly conserved in available vertebrate species. Using the Human Splicing Finder (HSF) and the ESEfinder splice site prediction tools, this alteration is predicted to create a new alternate splice acceptor site; however, direct evidence is unavailable (Desmet FO et al. Nucleic Acids Res. 2009 May;37:e67). Since supporting evidence is limited at this time, the clinical significance of this alteration remains unclear.